The following is an entry in ClinVar:

ClinVar aggregate classification (germline): Uncertain significance (1 of 4 stars; one submission).

Conditions:
Inborn genetic diseases. Identifiers: MedGen C0950123, MeSH D030342.

Submission:

Ambry Genetics
Classification: Uncertain significance for Inborn genetic diseases. Last evaluated: 2026-07-13. Review status: criteria provided, single submitter. Criteria: Ambry Variant Classification Scheme 2023. Collection method: clinical testing. Allele origin: germline.
Comment: The p.L528S variant (also known as c.1583T>C), located in coding exon 9 of the RECQL4 gene, results from a T to C substitution at nucleotide position 1583. The leucine at codon 528 is replaced by serine, an amino acid with dissimilar properties. This amino acid position is conserved. In addition, this alteration is predicted to be deleterious by in silico analysis. Based on the available evidence, the clinical significance of this variant remains unclear.

NM_004260.4(RECQL4):c.1583T>C (p.Leu528Ser)

Gene: RECQL4 (RecQ like helicase 4; minus strand). Cytogenetic location: 8q24.3.
Variant type: single nucleotide variant.
Coding change: c.1583T>C on transcript NM_004260.4 (MANE Select); coding-DNA position 1583, T replaced by C.
Protein change: p.Leu528Ser; replaces leucine 528 with serine.
Molecular consequence: missense variant. On other transcripts: non-coding transcript variant (3).
Genome position (GRCh38, 1-based): chr8:144,514,973, A>G on the plus strand (T>C on the coding strand, the complement: RECQL4 is on the minus strand). VCF-style: chr8-144514973-A-G. GRCh37 (hg19) VCF-style: chr8-145740357-A-G.
Other names: c.1487T>C, p.Leu496Ser (NM_001413017.1, NM_001413020.1); c.1583T>C, p.Leu528Ser (NM_001413018.1, NM_001413019.1, NM_001413033.1 and 1 more transcripts); c.512T>C, p.Leu171Ser (NM_001413021.1, NM_001413022.1, NM_001413023.1 and 7 more transcripts); c.1454T>C, p.Leu485Ser (NM_001413025.1); c.446T>C, p.Leu149Ser (NM_001413027.1, NM_001413030.1, NM_001413031.1 and 2 more transcripts); c.1232T>C, p.Leu411Ser (NM_001413029.1); c.1553T>C, p.Leu518Ser (NM_001413039.1); c.482T>C, p.Leu161Ser (NM_001413042.1); and 1 more; short protein forms L149S, L161S, L171S, L485S, L496S, L528S, L39S, L411S.
Identifiers: ClinVar variation 5028083 (VCV005028083.1).